The following is an entry in ClinVar:

ClinVar aggregate classification (germline): Uncertain significance. Review status: criteria provided, multiple submitters, no conflicts (2 of 4 stars). 2 submissions from 2 submitters: Uncertain significance (2). Last evaluated 2025-02-20.

Conditions:
Hereditary cancer-predisposing syndrome. Also called: Hereditary neoplastic syndrome; Neoplastic Syndromes, Hereditary; Tumor predisposition; Hereditary Cancer Syndrome. Identifiers: Orphanet 140162, MedGen C0027672, MeSH D009386, MONDO:0015356.

Submissions (2):

Ambry Genetics
Classification: Uncertain significance for Hereditary cancer-predisposing syndrome. Last evaluated: 2025-02-20. Review status: criteria provided, single submitter. Criteria: Ambry Variant Classification Scheme 2023. Collection method: clinical testing. Allele origin: germline.
Comment: The c.13_31dup19 variant, located in coding exon 1 of the VHL gene, results from a duplication of GCGGAGAACTGGGACGAGG at nucleotide position 13, causing a translational frameshift with a predicted alternate stop codon (p.A11Gfs*22). Premature stop codons are typically deleterious in nature; however, an alternate initiation codon exists downstream of this alteration, and is reported to result in a biologically active isoform, known as VHL19 (Schoenfeld A et al. Proc. Natl. Acad. Sci. U.S.A. 1998 Jul; 95(15):8817-22; Iliopoulos O et al. Proc. Natl. Acad. Sci. U.S.A. 1998 Sep; 95(20):11661-6). Since supporting evidence is limited at this time, the clinical significance of this variant remains unclear.

GeneDx
Classification: Uncertain significance. Last evaluated: 2020-11-12. Review status: criteria provided, single submitter. Criteria: GeneDx Variant Classification Process June 2021. Collection method: clinical testing. Allele origin: germline. Affected: yes.
Comment: Truncating variant in a gene for which a downstream in-frame ATG produces an alternate clinically-relevant isoform, pVHL19, that may result in a functional protein (Iliopoulos 1998, Schoenfeld 1998, Blankenship 1999); Has not been previously published as pathogenic or benign to our knowledge

NM_000551.4(VHL):c.13_31dup (p.Ala11fs)

Gene: VHL (von Hippel-Lindau tumor suppressor; plus strand). Cytogenetic location: 3p25.3.
Variant type: Duplication.
Coding change: c.13_31dup on transcript NM_000551.4 (MANE Select); coding-DNA positions 13 to 31, 19 bases duplicated (GCGGAGAACTGGGACGAGG).
Protein change: p.Ala11fs; shifts the reading frame from alanine 11.
Molecular consequence: frameshift variant.
Genome position (GRCh38, 1-based): chr3:10,141,860-10,141,878, GCGGAGAACTGGGACGAGG duplicated; duplicating any 19 consecutive bases within chr3:10,141,856-10,141,878 gives the same sequence; the c. name uses the placement nearest the transcript's 3' end. VCF-style (leftmost placement, unchanged base first): chr3-10141855-G-GGAGGGCGGAGAACTGGGAC. GRCh37 (hg19) VCF-style: chr3-10183539-G-GGAGGGCGGAGAACTGGGAC.
Other names: c.13_31dup, p.Ala11fs (NM_001354723.2, NM_198156.3); c.13_31dupGCGGAGAACTGGGACGAGG (NM_000551.3); short protein forms A11fs.
Identifiers: ClinVar variation 1313664 (VCV001313664.3), dbSNP rs1455562175, ClinGen allele CA432536126.